The following is an entry in ClinVar:

ClinVar aggregate classification (germline): Uncertain significance. Review status: criteria provided, multiple submitters, no conflicts (2 of 4 stars). 5 submissions from 5 submitters: Uncertain significance (5). Last evaluated 2026-02-05.

Conditions:
Short-rib thoracic dysplasia 10 with or without polydactyly (SRTD10). Identifiers: Orphanet 474, MedGen C3810175, MONDO:0014284, OMIM 615630.
Retinitis pigmentosa 71 (RP71). Identifiers: Orphanet 791, MedGen C4225342, MONDO:0014618, OMIM 616394.
Bardet-Biedl syndrome 20. Identifiers: MedGen C4310707, MONDO:0023670, OMIM 619471, MONDO:0014926.
IFT172-related disorder. Also called: IFT172-related condition; IFT172-related disorders.
Inborn genetic diseases. Identifiers: MedGen C0950123, MeSH D030342.

Allele frequency attached by ClinVar (database versions not stated): ExAC 0.00002; gnomAD 0.00008 and 0.00009; gnomAD exomes 0.00001 and below 0.00001; 1000 Genomes Project 30x 0.00016; TOPMed 0.00019; 1000 Genomes Project 0.00020.
gnomAD v4.1: 35 of 1,613,914 alleles (0.0022%); highest among the groups gnomAD compares: Admixed American, 0.025%; no homozygotes.

Submissions (5):

PreventionGenetics, part of Exact Sciences
Classification: Uncertain significance for IFT172-related condition. Last evaluated: 2026-02-05. Review status: criteria provided, single submitter. Criteria: ACMG Guidelines, 2015. Collection method: clinical testing. Allele origin: germline.
Comment: The IFT172 c.5128G>A variant is predicted to result in the amino acid substitution p.Asp1710Asn. To our knowledge, this variant has not been reported in the literature. This variant is reported in 0.0029% of alleles in individuals of Latino descent in gnomAD. At this time, the clinical significance of this variant is uncertain due to the absence of conclusive functional and genetic evidence.

Ambry Genetics
Classification: Uncertain significance for Inborn genetic diseases. Last evaluated: 2025-12-10. Review status: criteria provided, single submitter. Criteria: Ambry Variant Classification Scheme 2023. Collection method: clinical testing. Allele origin: germline.

Blueprint Genetics
Classification: Uncertain significance. Last evaluated: 2024-04-11. Review status: criteria provided, single submitter. Criteria: ACMG Guidelines, 2015. Collection method: clinical testing. Allele origin: germline.

Fulgent Genetics
Classification: Uncertain significance for Short-rib thoracic dysplasia 10 with or without polydactyly; Retinitis pigmentosa 71; Bardet-Biedl syndrome 20. Last evaluated: 2024-03-26. Review status: criteria provided, single submitter. Criteria: ACMG Guidelines, 2015. Collection method: clinical testing. Allele origin: germline.

Labcorp Genetics (formerly Invitae), Labcorp
Classification: Uncertain significance for Retinitis pigmentosa 71; Short-rib thoracic dysplasia 10 with or without polydactyly. Last evaluated: 2022-11-01. Review status: criteria provided, single submitter. Criteria: Invitae Variant Classification Sherloc (09022015). Collection method: clinical testing. Allele origin: germline.
Comment: This sequence change replaces aspartic acid, which is acidic and polar, with asparagine, which is neutral and polar, at codon 1710 of the IFT172 protein (p.Asp1710Asn). This variant is present in population databases (rs542662514, gnomAD 0.009%). This variant has not been reported in the literature in individuals affected with IFT172-related conditions. ClinVar contains an entry for this variant (Variation ID: 1007656). Advanced modeling of protein sequence and biophysical properties (such as structural, functional, and spatial information, amino acid conservation, physicochemical variation, residue mobility, and thermodynamic stability) performed at Invitae indicates that this missense variant is not expected to disrupt IFT172 protein function. In summary, the available evidence is currently insufficient to determine the role of this variant in disease. Therefore, it has been classified as a Variant of Uncertain Significance.

NM_015662.3(IFT172):c.5128G>A (p.Asp1710Asn)

Genes: KRTCAP3 (keratinocyte associated protein 3; plus strand), IFT172 (intraflagellar transport 172; minus strand). Cytogenetic location: 2p23.3.
Variant type: single nucleotide variant.
Coding change: c.5128G>A on transcript NM_015662.3 (MANE Select); coding-DNA position 5128, G replaced by A.
Protein change: p.Asp1710Asn; replaces aspartic acid 1710 with asparagine.
Molecular consequence: missense variant. On other transcripts: intron variant (1).
Genome position (GRCh38, 1-based): chr2:27,445,046, C>T on the plus strand (G>A on the coding strand, the complement: IFT172 is on the minus strand). VCF-style: chr2-27445046-C-T. GRCh37 (hg19) VCF-style: chr2-27667913-C-T.
Other names: c.5062G>A, p.Asp1688Asn (NM_001410739.1); c.*5+985C>T (NM_001168364.2); short protein forms D1710N, D1688N.
Identifiers: ClinVar variation 1007656 (VCV001007656.11), dbSNP rs542662514, ClinGen allele CA1579354.